The following is an entry in ClinVar:

NM_016122.3(CEP83):c.777G>A (p.Met259Ile)

Gene: CEP83 (centrosomal protein 83; minus strand). Cytogenetic location: 12q22.
Variant type: single nucleotide variant.
Coding change: c.777G>A on transcript NM_016122.3 (MANE Select); coding-DNA position 777, G replaced by A.
Protein change: p.Met259Ile; replaces methionine 259 with isoleucine.
Molecular consequence: missense variant. On other transcripts: non-coding transcript variant (3).
Genome position (GRCh38, 1-based): chr12:94,378,815, C>T on the plus strand (G>A on the coding strand, the complement: CEP83 is on the minus strand). VCF-style: chr12-94378815-C-T. GRCh37 (hg19) VCF-style: chr12-94772591-C-T.
Other names: c.777G>A, p.Met259Ile (NM_001042399.2, NM_001346457.2, NM_001346460.2 and 3 more transcripts); c.465G>A, p.Met155Ile (NM_001346458.2, NM_001346459.2, NM_001346462.2 and 2 more transcripts); c.552G>A, p.Met184Ile (NM_001368041.1); c.240G>A, p.Met80Ile (NM_001368042.1); short protein forms M155I, M184I, M259I, M80I.
Identifiers: ClinVar variation 4975244 (VCV004975244.1).
Genomic context (GRCh38, chr12:94,378,815, plus strand): 5'-ATGCCATACTCTACTGGGAAGTAATTAGAATCTTACCTCCAGGGATCTGACTGTAGCCTG[C>T]ATCTCAGCCAACTGCCGCACCTGTATTCTTTGGGCATTTTCCACCTGAGCCTCAGAATTC-3'
Protein context (NP_057206.2, residues 249-269): QRIQVRQLAE[Met259Ile]QATVRSLEAE

ClinVar aggregate classification (germline): Uncertain significance (1 of 4 stars; one submission).

gnomAD v4.1: 1 of 1,614,018 alleles (0.000062%); highest among the groups gnomAD compares: East Asian, 0.0022%; no homozygotes.

Submission:

GeneDx
Classification: Uncertain significance. Last evaluated: 2026-01-20. Review status: criteria provided, single submitter. Criteria: GeneDx Variant Classification Process June 2021. Collection method: clinical testing. Allele origin: germline.
Comment: Not observed at significant frequency in large population cohorts (gnomAD); In silico analysis suggests that this missense variant does not alter protein structure/function; Has not been previously published as pathogenic or benign to our knowledge